The following is an entry in ClinVar:

NM_152564.5(VPS13B):c.10061G>T (p.Arg3354Ile)

Gene: VPS13B (vacuolar protein sorting 13 homolog B; plus strand). Cytogenetic location: 8q22.2.
Variant type: single nucleotide variant.
Coding change: c.10061G>T on transcript NM_152564.5 (MANE Select); coding-DNA position 10061, G replaced by T.
Protein change: p.Arg3354Ile; replaces arginine 3354 with isoleucine.
Molecular consequence: missense variant.
Genome position (GRCh38, 1-based): chr8:99,848,894, G>T. VCF-style: chr8-99848894-G-T. GRCh37 (hg19) VCF-style: chr8-100861122-G-T.
Other names: c.10136G>T, p.Arg3379Ile (NM_017890.5); short protein forms R3354I, R3379I.
Identifiers: ClinVar variation 4687428 (VCV004687428.1).

ClinVar aggregate classification (germline): Uncertain significance (1 of 4 stars; one submission).

Submission:

Women's Health and Genetics/Laboratory Corporation of America, LabCorp
Classification: Uncertain significance. Last evaluated: 2025-10-29. Review status: criteria provided, single submitter. Criteria: LabCorp Variant Classification Summary - May 2015. Collection method: clinical testing. Allele origin: germline.
Comment: Variant summary: VPS13B c.10136G>T (p.Arg3379Ile) results in a non-conservative amino acid change in the encoded protein sequence. Algorithms developed to predict the effect of missense changes on protein structure and function are either unavailable or do not agree on the potential impact of this missense change. Several computational tools predict a significant impact on normal splicing: Three predict the variant weakens a canonical 5' donor site and one predicts the variant abolishes this site. However, these predictions have yet to be confirmed by functional studies. The variant was absent in 251402 control chromosomes (gnomAD). The available data on variant occurrences in the general population are insufficient to allow any conclusion about variant significance. To our knowledge, no occurrence of c.10136G>T in individuals affected with VPS13B-related conditions and no experimental evidence demonstrating its impact on protein function have been reported. No submitters have cited clinical-significance assessments for this variant to ClinVar. Based on the evidence outlined above, the variant was classified as uncertain significance.